The following is an entry in ClinVar:

NM_001048174.2(MUTYH):c.1516del (p.Arg506fs)

Gene: MUTYH (mutY DNA glycosylase; minus strand). Cytogenetic location: 1p34.1.
Variant type: Deletion.
Coding change: c.1516del on transcript NM_001048174.2 (MANE Select); coding-DNA position 1516, one base deleted (C; older notation c.1516delC).
Protein change: p.Arg506fs; shifts the reading frame from arginine 506.
Molecular consequence: frameshift variant. On other transcripts: non-coding transcript variant (7).
Genome position (GRCh38, 1-based): chr1:45,329,356, G deleted on the plus strand (C on the coding strand, the reverse complement: MUTYH is on the minus strand). VCF-style (leftmost placement, unchanged base first): chr1-45329355-CG-C. GRCh37 (hg19) VCF-style: chr1-45795027-CG-C.
Other names: c.1516del, p.Arg506fs (NM_001048171.2, NM_001048173.2, NM_001293195.2 and 6 more transcripts); c.1519del, p.Arg507fs (NM_001048172.2, NM_001407071.1, NM_001407078.1 and 1 more transcripts); c.1600del, p.Arg534fs (NM_001128425.2); c.1561del, p.Arg521fs (NM_001293190.2); c.1549del, p.Arg517fs (NM_001293191.2, NM_001407069.1, NM_001407077.1); c.1240del, p.Arg414fs (NM_001293192.2, NM_001293196.2, NM_001407091.1); c.1171del, p.Arg391fs (NM_001350650.2, NM_001350651.2, NM_001407082.1); c.1432del, p.Arg478fs (NM_001407075.1); and 5 more; short protein forms R391fs, R414fs, R478fs, R492fs, R493fs, R506fs, R507fs, R513fs.
Identifiers: ClinVar variation 2676894 (VCV002676894.2), dbSNP rs2523737120, ClinGen allele CA2695198011.

ClinVar aggregate classification (germline): Conflicting classifications of pathogenicity. Review status: criteria provided, conflicting classifications (1 of 4 stars). 2 submissions from 2 submitters: Likely pathogenic (1); Uncertain significance (1). Last evaluated 2025-01-19.

Conditions:
Hereditary cancer-predisposing syndrome. Also called: Neoplastic Syndromes, Hereditary; Tumor predisposition; Hereditary Cancer Syndrome; Hereditary neoplastic syndrome. Identifiers: Orphanet 140162, MedGen C0027672, MeSH D009386, MONDO:0015356.
Familial adenomatous polyposis 2. Also called: COLORECTAL ADENOMATOUS POLYPOSIS, AUTOSOMAL RECESSIVE; ADENOMAS, MULTIPLE COLORECTAL, AUTOSOMAL RECESSIVE; FAP type 2; MUTYH Polyposis; MYH-associated polyposis; Adenomas, multiple colorectal. Identifiers: Orphanet 220460, Orphanet 247798, MedGen C3272841, MONDO:0012041, OMIM 608456.

Submissions (2):

Ambry Genetics
Classification: Likely pathogenic for Hereditary cancer-predisposing syndrome. Last evaluated: 2025-01-19. Review status: criteria provided, single submitter. Criteria: Ambry Variant Classification Scheme 2023. Collection method: clinical testing. Allele origin: germline.
Comment: The c.1600delC variant, located in coding exon 16 of the MUTYH gene, results from a deletion of one nucleotide at nucleotide position 1600, causing a translational frameshift with a predicted alternate stop codon (p.R534Gfs*37). This alteration occurs at the 3' terminus of theMUTYH gene, is not expected to trigger nonsense-mediated mRNAdecay and results in the elongation of the protein by 20 amino acids. This frameshift impacts the last 2.9%amino acids of the native protein. However, frameshifts are typically deleterious in nature and the impacted region is critical for protein function (Ambry internal data).This variant is considered to be rare based on population cohorts in the Genome Aggregation Database (gnomAD). Based on the majority of available evidence to date, this variant is likely to be pathogenic.

Baylor Genetics
Classification: Uncertain significance for Familial adenomatous polyposis 2. Last evaluated: 2023-08-24. Review status: criteria provided, single submitter. Criteria: ACMG Guidelines, 2015. Collection method: clinical testing. Allele origin: unknown.